The following is an entry in ClinVar:

ClinVar aggregate classification (germline): Uncertain significance (1 of 4 stars; one submission).

Conditions:
Inborn genetic diseases. Identifiers: MedGen C0950123, MeSH D030342.

Submission:

Ambry Genetics
Classification: Uncertain significance for Inborn genetic diseases. Last evaluated: 2024-10-28. Review status: criteria provided, single submitter. Criteria: Ambry Variant Classification Scheme 2023. Collection method: clinical testing. Allele origin: germline.
Comment: The p.M527T variant (also known as c.1580T>C), located in coding exon 17 of the ERCC2 gene, results from a T to C substitution at nucleotide position 1580. The methionine at codon 527 is replaced by threonine, an amino acid with similar properties. This amino acid position is conserved. In addition, this alteration is predicted to be deleterious by in silico analysis. Based on the available evidence, the clinical significance of this variant remains unclear.

NM_000400.4(ERCC2):c.1580T>C (p.Met527Thr)

Gene: ERCC2 (ERCC excision repair 2, TFIIH core complex helicase subunit; minus strand). Cytogenetic location: 19q13.32.
Variant type: single nucleotide variant.
Coding change: c.1580T>C on transcript NM_000400.4 (MANE Select); coding-DNA position 1580, T replaced by C.
Protein change: p.Met527Thr; replaces methionine 527 with threonine.
Molecular consequence: missense variant.
Genome position (GRCh38, 1-based): chr19:45,354,815, A>G on the plus strand (T>C on the coding strand, the complement: ERCC2 is on the minus strand). VCF-style: chr19-45354815-A-G. GRCh37 (hg19) VCF-style: chr19-45858073-A-G.
Other names: short protein forms M527T.
Identifiers: ClinVar variation 3509892 (VCV003509892.1).